The following is an entry in ClinVar:

ClinVar aggregate classification (germline): Uncertain significance (1 of 4 stars; one submission).

Conditions:
Hereditary cancer-predisposing syndrome. Also called: Neoplastic Syndromes, Hereditary; Tumor predisposition; Hereditary Cancer Syndrome; Hereditary neoplastic syndrome. Identifiers: Orphanet 140162, MedGen C0027672, MeSH D009386, MONDO:0015356.

Submission:

Ambry Genetics
Classification: Uncertain significance for Hereditary cancer-predisposing syndrome. Last evaluated: 2026-09-10. Review status: criteria provided, single submitter. Criteria: Ambry Variant Classification Scheme 2023. Collection method: clinical testing. Allele origin: germline.
Comment: The c.1260-7T>G intronic variant results from a T to G substitution 7 nucleotides upstream from coding exon 11 in the CHEK2 gene. This nucleotide position is well conserved in available vertebrate species. In silico splice site analysis predicts that this alteration will weaken the native splice acceptor site and will result in the creation or strengthening of a novel splice acceptor site. RNA studies have demonstrated that this variant results in a splice defect; the clinical impact of this abnormal splicing is unknown at this time (Ambry internal data). Based on the available evidence, the clinical significance of this variant remains unclear.

NM_007194.4(CHEK2):c.1260-7T>G

Gene: CHEK2 (checkpoint kinase 2; minus strand). Cytogenetic location: 22q12.1.
Variant type: single nucleotide variant.
Coding change: c.1260-7T>G on transcript NM_007194.4 (MANE Select); 7 bases into the intron before coding-DNA position 1260, T replaced by G.
Molecular consequence: intron variant.
Genome position (GRCh38, 1-based): chr22:28,695,249, A>C on the plus strand (T>G on the coding strand, the complement: CHEK2 is on the minus strand). VCF-style: chr22-28695249-A-C. GRCh37 (hg19) VCF-style: chr22-29091237-A-C.
Other names: c.597-7T>G (NM_001437942.1, NM_001257387.3); c.1059-7T>G (NM_001349956.3); c.1173-7T>G (NM_145862.3); c.1266-7T>G (NM_001438295.1); c.1353-7T>G (NM_001438293.1); c.1302-7T>G (NM_001438294.1); c.1389-7T>G (NM_001005735.3).
Identifiers: ClinVar variation 4868942 (VCV004868942.2).